The following is an entry in ClinVar:

ClinVar aggregate classification (germline): Likely benign (1 of 4 stars; one submission).

Conditions:
TRPC5-related disorder. Also called: TRPC5-related condition.

Submission:

PreventionGenetics, part of Exact Sciences
Classification: Likely benign for TRPC5-related condition. Last evaluated: 2026-04-30. Review status: criteria provided, single submitter. Criteria: ACMG Guidelines, 2015. Collection method: clinical testing. Allele origin: germline.
Comment: This variant is classified as likely benign based on ACMG/AMP sequence variant interpretation guidelines (Richards et al. 2015 PMID: 25741868, with internal and published modifications).

NM_012471.3(TRPC5):c.1503C>A (p.Ser501=)

Gene: TRPC5 (transient receptor potential cation channel subfamily C member 5; minus strand). Cytogenetic location: Xq23.
Variant type: single nucleotide variant.
Coding change: c.1503C>A on transcript NM_012471.3 (MANE Select); coding-DNA position 1503, C replaced by A.
Protein change: p.Ser501=; no amino-acid change (serine 501 retained).
Molecular consequence: synonymous variant.
Genome position (GRCh38, 1-based): chrX:111,847,311, G>T on the plus strand (C>A on the coding strand, the complement: TRPC5 is on the minus strand). VCF-style: chrX-111847311-G-T. GRCh37 (hg19) VCF-style: chrX-111090539-G-T.
Identifiers: ClinVar variation 4988940 (VCV004988940.1).
Genomic context (GRCh38, chrX:111,847,311, plus strand): 5'-GAGGAATTTGAGGATATCAAGCAGCATGCGTCCCAAAGAGATCTGCAGAGGTCCTAAGTG[G>T]GAGTTGGCTGTGAACAGGGATATGAGACGCAACGAACTTAAAATGTTGGATATTGCGAAG-3'
Protein context (NP_036603.1, residues 491-511): LRLISLFTAN[Ser501=]HLGPLQISLG